The following is an entry in ClinVar:

NM_013266.4(CTNNA3):c.330T>A (p.Asp110Glu)

Gene: CTNNA3 (catenin alpha 3; minus strand). Cytogenetic location: 10q21.3.
Variant type: single nucleotide variant.
Coding change: c.330T>A on transcript NM_013266.4 (MANE Select); coding-DNA position 330, T replaced by A.
Protein change: p.Asp110Glu; replaces aspartic acid 110 with glutamic acid.
Molecular consequence: missense variant.
Genome position (GRCh38, 1-based): chr10:67,539,632, A>T on the plus strand (T>A on the coding strand, the complement: CTNNA3 is on the minus strand). VCF-style: chr10-67539632-A-T. GRCh37 (hg19) VCF-style: chr10-69299390-A-T.
Other names: c.330T>A, p.Asp110Glu (NM_001127384.3); c.366T>A, p.Asp122Glu (NM_001291133.2); short protein forms D110E, D122E.
Identifiers: ClinVar variation 4753963 (VCV004753963.1).

ClinVar aggregate classification (germline): Uncertain significance (1 of 4 stars; one submission).

Conditions:
Arrhythmogenic right ventricular dysplasia 13. Also called: ARRHYTHMOGENIC RIGHT VENTRICULAR CARDIOMYOPATHY 13; Arrhythmogenic right ventricular dysplasia, familial, 13. Identifiers: MedGen C3810138, MONDO:0000908, OMIM 615616.

Submission:

Labcorp Genetics (formerly Invitae), Labcorp
Classification: Uncertain significance for Arrhythmogenic right ventricular dysplasia 13. Last evaluated: 2025-06-09. Review status: criteria provided, single submitter. Criteria: Invitae Variant Classification Sherloc (09022015). Collection method: clinical testing. Allele origin: germline.
Comment: This sequence change replaces aspartic acid, which is acidic and polar, with glutamic acid, which is acidic and polar, at codon 110 of the CTNNA3 protein (p.Asp110Glu). This variant is present in population databases (no rsID available, gnomAD 0.0009%). This variant has not been reported in the literature in individuals affected with CTNNA3-related conditions. Invitae Evidence Modeling of protein sequence and biophysical properties (such as structural, functional, and spatial information, amino acid conservation, physicochemical variation, residue mobility, and thermodynamic stability) indicates that this missense variant is not expected to disrupt CTNNA3 protein function with a negative predictive value of 80%. In summary, the available evidence is currently insufficient to determine the role of this variant in disease. Therefore, it has been classified as a Variant of Uncertain Significance.